The following is an entry in ClinVar:

ClinVar aggregate classification (germline): Likely benign (1 of 4 stars; one submission).

Allele frequency attached by ClinVar (database versions not stated): gnomAD 0.00945 and 0.00995; 1000 Genomes Project 0.00998; 1000 Genomes Project 30x 0.01015; TOPMed 0.01016.
gnomAD v4.1: 1,421 of 152,348 alleles (0.93%); highest among the groups gnomAD compares: African/African-American, 3.3%; 22 homozygotes.

Submission:

GeneDx
Classification: Likely benign. Last evaluated: 2018-06-14. Review status: criteria provided, single submitter. Criteria: GeneDx Variant Classification (06012015). Collection method: clinical testing. Allele origin: germline. Affected: yes.
Comment: This variant is considered likely benign or benign based on one or more of the following criteria: it is a conservative change, it occurs at a poorly conserved position in the protein, it is predicted to be benign by multiple in silico algorithms, and/or has population frequency not consistent with disease.

NM_006767.4(LZTR1):c.1260+208G>A

Gene: LZTR1 (leucine zipper like post translational regulator 1; plus strand). Cytogenetic location: 22q11.21.
Variant type: single nucleotide variant.
Coding change: c.1260+208G>A on transcript NM_006767.4 (MANE Select); 208 bases into the intron after coding-DNA position 1260, G replaced by A.
Molecular consequence: intron variant.
Genome position (GRCh38, 1-based): chr22:20,993,112, G>A. VCF-style: chr22-20993112-G-A. GRCh37 (hg19) VCF-style: chr22-21347401-G-A.
Identifiers: ClinVar variation 561674 (VCV000561674.1), dbSNP rs75405655, ClinGen allele CA322268172.